The following is an entry in ClinVar:

ClinVar aggregate classification (germline): Uncertain significance (1 of 4 stars; one submission).

Conditions:
Hyperekplexia 2 (HKPX2). Identifiers: Orphanet 3197, MedGen C3553291, MONDO:0013828, OMIM 614619.

Submission:

Labcorp Genetics (formerly Invitae), Labcorp
Classification: Uncertain significance for Hyperekplexia 2. Last evaluated: 2022-06-10. Review status: criteria provided, single submitter. Criteria: Invitae Variant Classification Sherloc (09022015). Collection method: clinical testing. Allele origin: germline.
Comment: In summary, the available evidence is currently insufficient to determine the role of this variant in disease. Therefore, it has been classified as a Variant of Uncertain Significance. Experimental studies and prediction algorithms are not available or were not evaluated, and the functional significance of this variant is currently unknown. This variant has not been reported in the literature in individuals affected with GLRB-related conditions. This variant results in a copy number gain of the genomic region encompassing exon(s) 5-9 of the GLRB gene. While the exact position of this variant cannot be determined from the data, sub-genic copy number gains are generally in tandem (PMID: 25640679). This variant is predicted to be in-frame, and likely preserves the integrity of the reading frame.

Literature cited by the submitters: PubMed 25640679.

NC_000004.11:g.(?_158057601)_(158074182_?)dup

Gene: GLRB (glycine receptor beta; plus strand). Cytogenetic location: 4q32.1.
Variant type: Duplication.
Identifiers: ClinVar variation 2423409 (VCV002423409.4).